The following is an entry in ClinVar:

ClinVar aggregate classification (germline): Conflicting classifications of pathogenicity. Review status: criteria provided, conflicting classifications (1 of 4 stars). 3 submissions from 3 submitters: Uncertain significance (2); Likely benign (1). Last evaluated 2026-01-09.

Conditions:
Hereditary cancer-predisposing syndrome. Also called: Neoplastic Syndromes, Hereditary; Tumor predisposition; Hereditary neoplastic syndrome; Hereditary Cancer Syndrome. Identifiers: Orphanet 140162, MedGen C0027672, MeSH D009386, MONDO:0015356.
Colorectal cancer, susceptibility to, 12 (CRCS12). Also called: COLORECTAL CANCER, SUSCEPTIBILITY TO, ON CHROMOSOME 12q24. Identifiers: Orphanet 220460, MedGen C3554460, MONDO:0014038, OMIM 615083.
Facial dysmorphism-immunodeficiency-livedo-short stature syndrome. Also called: FILS syndrome; Facial dysmorphism, immunodeficiency, livedo, and short stature. Identifiers: Orphanet 352712, MedGen C3554576, MONDO:0014058, OMIM 615139.
Intrauterine growth retardation, metaphyseal dysplasia, adrenal hypoplasia congenita, genital anomalies, and immunodeficiency. Also called: IMAGEI SYNDROME. Identifiers: MedGen C5193036, MONDO:0032684, OMIM 618336.

Allele frequency attached by ClinVar (database versions not stated): gnomAD exomes 0.00002; TOPMed 0.00003; gnomAD 0.00001.
gnomAD v4.1: 9 of 1,613,230 alleles (0.00056%); highest among the groups gnomAD compares: Admixed American, 0.0083%; no homozygotes.

Submissions (3):

Ambry Genetics
Classification: Uncertain significance for Hereditary cancer-predisposing syndrome. Last evaluated: 2026-01-09. Review status: criteria provided, single submitter. Criteria: Ambry Variant Classification Scheme 2023. Collection method: clinical testing. Allele origin: germline.
Comment: The c.4952+4A>G intronic variant results from an A to G substitution 4 nucleotides after coding exon 37 in the POLE gene. This nucleotide position is well conserved in available vertebrate species. In silico splice site analysis predicts that this alteration will not have any significant effect on splicing. Based on the available evidence, the clinical significance of this variant remains unclear.

Labcorp Genetics (formerly Invitae), Labcorp
Classification: Likely benign. Last evaluated: 2025-11-18. Review status: criteria provided, single submitter. Criteria: Invitae Variant Classification Sherloc (09022015). Collection method: clinical testing. Allele origin: germline.

Fulgent Genetics
Classification: Uncertain significance for Colorectal cancer, susceptibility to, 12; Facial dysmorphism-immunodeficiency-livedo-short stature syndrome; Intrauterine growth retardation, metaphyseal dysplasia, adrenal hypoplasia congenita, genital anomalies, and immunodeficiency. Last evaluated: 2024-02-20. Review status: criteria provided, single submitter. Criteria: ACMG Guidelines, 2015. Collection method: clinical testing. Allele origin: germline.

NM_006231.4(POLE):c.4952+4A>G

Gene: POLE (DNA polymerase epsilon, catalytic subunit; minus strand). Cytogenetic location: 12q24.33.
Variant type: single nucleotide variant.
Coding change: c.4952+4A>G on transcript NM_006231.4 (MANE Select); 4 bases into the intron after coding-DNA position 4952, A replaced by G.
Molecular consequence: intron variant.
Genome position (GRCh38, 1-based): chr12:132,642,502, T>C on the plus strand (A>G on the coding strand, the complement: POLE is on the minus strand). VCF-style: chr12-132642502-T-C. GRCh37 (hg19) VCF-style: chr12-133219088-T-C.
Identifiers: ClinVar variation 473700 (VCV000473700.17), dbSNP rs962068207, ClinGen allele CA246303537.